The following is an entry in ClinVar:

ClinVar aggregate classification (germline): Uncertain significance (1 of 4 stars; one submission).

Conditions:
Autosomal recessive limb-girdle muscular dystrophy type 2J (LGMDR10). Also called: Limb-girdle muscular dystrophy, type 2J; MUSCULAR DYSTROPHY, LIMB-GIRDLE, AUTOSOMAL RECESSIVE 10. Identifiers: Orphanet 140922, MedGen C1837342, MONDO:0012127, OMIM 608807.
Dilated cardiomyopathy 1G (CMD1G). Identifiers: Orphanet 154, MedGen C1858763, MONDO:0011400, OMIM 604145.

Submission:

Labcorp Genetics (formerly Invitae), Labcorp
Classification: Uncertain significance for Dilated cardiomyopathy 1G; Autosomal recessive limb-girdle muscular dystrophy type 2J. Last evaluated: 2023-12-01. Review status: criteria provided, single submitter. Criteria: Invitae Variant Classification Sherloc (09022015). Collection method: clinical testing. Allele origin: germline.
Comment: This sequence change replaces tyrosine, which is neutral and polar, with cysteine, which is neutral and slightly polar, at codon 34155 of the TTN protein (p.Tyr34155Cys). This variant is not present in population databases (gnomAD no frequency). This variant has not been reported in the literature in individuals affected with TTN-related conditions. Experimental studies and prediction algorithms are not available or were not evaluated, and the functional significance of this variant is currently unknown. This variant is located in the M band of TTN (PMID: 25589632). Non-truncating variants in this region may be relevant for neuromuscular disorders, but have not been definitively shown to cause cardiomyopathy (PMID: 23975875). In summary, the available evidence is currently insufficient to determine the role of this variant in disease. Therefore, it has been classified as a Variant of Uncertain Significance.

Literature cited by the submitters: PubMed 25589632; PubMed 23975875.

NM_001267550.2(TTN):c.102464A>G (p.Tyr34155Cys)

Genes: TTN (titin; minus strand), TTN-AS1 (TTN antisense RNA 1; plus strand). Cytogenetic location: 2q31.2.
Variant type: single nucleotide variant.
Coding change: c.102464A>G on transcript NM_001267550.2 (MANE Select); coding-DNA position 102464, A replaced by G.
Protein change: p.Tyr34155Cys; replaces tyrosine 34155 with cysteine.
Molecular consequence: missense variant.
Genome position (GRCh38, 1-based): chr2:178,534,151, T>C on the plus strand (A>G on the coding strand, the complement: TTN is on the minus strand). VCF-style: chr2-178534151-T-C. GRCh37 (hg19) VCF-style: chr2-179398878-T-C.
Other names: c.97541A>G, p.Tyr32514Cys (NM_001256850.1); c.75269A>G, p.Tyr25090Cys (NM_003319.4); c.94760A>G, p.Tyr31587Cys (NM_133378.4); c.75644A>G, p.Tyr25215Cys (NM_133432.3); c.75845A>G, p.Tyr25282Cys (NM_133437.4); short protein forms Y25090C, Y25215C, Y25282C, Y34155C, Y31587C, Y32514C.
Identifiers: ClinVar variation 2954325 (VCV002954325.3), dbSNP rs2468523655, ClinGen allele CA349417483.